The following is an entry in ClinVar:

NM_004525.3(LRP2):c.769+1G>A

Gene: LRP2 (LDL receptor related protein 2; minus strand). Cytogenetic location: 2q31.1.
Variant type: single nucleotide variant.
Coding change: c.769+1G>A on transcript NM_004525.3 (MANE Select); the canonical splice donor site of the intron after coding-DNA position 769, G replaced by A.
Molecular consequence: splice donor variant.
Genome position (GRCh38, 1-based): chr2:169,292,252, C>T on the plus strand (G>A on the coding strand, the complement: LRP2 is on the minus strand). VCF-style: chr2-169292252-C-T. GRCh37 (hg19) VCF-style: chr2-170148762-C-T.
Identifiers: ClinVar variation 2766383 (VCV002766383.3), dbSNP rs2528559979, ClinGen allele CA349159514.

ClinVar aggregate classification (germline): Likely pathogenic (1 of 4 stars; one submission).

Submission:

Labcorp Genetics (formerly Invitae), Labcorp
Classification: Likely pathogenic. Last evaluated: 2023-10-22. Review status: criteria provided, single submitter. Criteria: Invitae Variant Classification Sherloc (09022015). Collection method: clinical testing. Allele origin: germline.
Comment: This sequence change affects a donor splice site in intron 7 of the LRP2 gene. It is expected to disrupt RNA splicing. Variants that disrupt the donor or acceptor splice site typically lead to a loss of protein function (PMID: 16199547), and loss-of-function variants in LRP2 are known to be pathogenic (PMID: 17632512, 25682901). This variant is not present in population databases (gnomAD no frequency). This variant has not been reported in the literature in individuals affected with LRP2-related conditions. Algorithms developed to predict the effect of sequence changes on RNA splicing suggest that this variant may disrupt the consensus splice site. In summary, the currently available evidence indicates that the variant is pathogenic, but additional data are needed to prove that conclusively. Therefore, this variant has been classified as Likely Pathogenic.

Literature cited by the submitters: PubMed 16199547; PubMed 17632512; PubMed 25682901.